The following is an entry in ClinVar:

NM_024721.5(ZFHX4):c.2883del (p.Cys962fs)

Gene: ZFHX4 (zinc finger homeobox 4; plus strand). Cytogenetic location: 8q21.13.
Variant type: Deletion.
Coding change: c.2883del on transcript NM_024721.5 (MANE Select); coding-DNA position 2883, one base deleted (C; older notation c.2883delC).
Protein change: p.Cys962fs; shifts the reading frame from cysteine 962.
Molecular consequence: frameshift variant.
Genome position (GRCh38, 1-based): chr8:76,707,838, C deleted. VCF-style (leftmost placement, unchanged base first): chr8-76707837-AC-A. GRCh37 (hg19) VCF-style: chr8-77620072-AC-A.
Other names: c.2805del, p.Cys936fs (NM_001410934.1); short protein forms C936fs, C962fs.
Identifiers: ClinVar variation 2636222 (VCV002636222.1), dbSNP rs2536198946, ClinGen allele CA2695201483.

ClinVar aggregate classification (germline): Uncertain significance (1 of 4 stars; one submission).

Conditions:
ZFHX4-related disorder. Also called: ZFHX4-related condition.

Submission:

PreventionGenetics, part of Exact Sciences
Classification: Uncertain significance for ZFHX4-related condition. Last evaluated: 2022-08-30. Review status: criteria provided, single submitter. Criteria: ACMG Guidelines, 2015. Collection method: clinical testing. Allele origin: germline.
Comment: The ZFHX4 c.2883delC variant is predicted to result in a frameshift and premature protein termination (p.Cys962Alafs*27). To our knowledge, this variant has not been reported in the literature or in a large population database, indicating this variant is rare. Although we suspect that this variant may be pathogenic, at this time, the clinical significance of this variant is uncertain due to the absence of conclusive functional and genetic evidence.